The following is an entry in ClinVar:

NM_024301.5(FKRP):c.736C>T (p.Pro246Ser)

Gene: FKRP (fukutin related protein; plus strand). Cytogenetic location: 19q13.32.
Variant type: single nucleotide variant.
Coding change: c.736C>T on transcript NM_024301.5 (MANE Select); coding-DNA position 736, C replaced by T.
Protein change: p.Pro246Ser; replaces proline 246 with serine.
Molecular consequence: missense variant.
Genome position (GRCh38, 1-based): chr19:46,756,186, C>T. VCF-style: chr19-46756186-C-T. GRCh37 (hg19) VCF-style: chr19-47259443-C-T.
Other names: c.736C>T, p.Pro246Ser (NM_001039885.3); short protein forms P246S.
Identifiers: ClinVar variation 2077508 (VCV002077508.1), dbSNP rs1443171664, ClinGen allele CA406495913.

ClinVar aggregate classification (germline): Uncertain significance (1 of 4 stars; one submission).

Conditions:
Walker-Warburg congenital muscular dystrophy. Also called: Muscular dystrophy-dystroglycanopathy, type A; Walker-Warburg syndrome. Identifiers: Orphanet 899, MedGen C0265221, MONDO:0000171.

Allele frequency attached by ClinVar (database versions not stated): gnomAD exomes 0.00001.
gnomAD v4.1: 8 of 1,436,820 alleles (0.00056%); highest among the groups gnomAD compares: South Asian, 0.0082%; no homozygotes.

Submission:

Labcorp Genetics (formerly Invitae), Labcorp
Classification: Uncertain significance for Walker-Warburg congenital muscular dystrophy. Last evaluated: 2022-03-19. Review status: criteria provided, single submitter. Criteria: Invitae Variant Classification Sherloc (09022015). Collection method: clinical testing. Allele origin: germline.
Comment: This sequence change replaces proline, which is neutral and non-polar, with serine, which is neutral and polar, at codon 246 of the FKRP protein (p.Pro246Ser). The frequency data for this variant in the population databases is considered unreliable, as metrics indicate poor data quality at this position in the gnomAD database. This variant has not been reported in the literature in individuals affected with FKRP-related conditions. Algorithms developed to predict the effect of missense changes on protein structure and function are either unavailable or do not agree on the potential impact of this missense change (SIFT: "Tolerated"; PolyPhen-2: "Probably Damaging"; Align-GVGD: "Class C0"). In summary, the available evidence is currently insufficient to determine the role of this variant in disease. Therefore, it has been classified as a Variant of Uncertain Significance.